The following is an entry in ClinVar:

NM_001374736.1(DST):c.17443C>A (p.Leu5815Ile)

Gene: DST (dystonin; minus strand). Cytogenetic location: 6p12.1.
Variant type: single nucleotide variant.
Coding change: c.17443C>A on transcript NM_001374736.1 (MANE Select); coding-DNA position 17443, C replaced by A.
Protein change: p.Leu5815Ile; replaces leucine 5815 with isoleucine.
Molecular consequence: missense variant. On other transcripts: intron variant (2).
Genome position (GRCh38, 1-based): chr6:56,529,600, G>T on the plus strand (C>A on the coding strand, the complement: DST is on the minus strand). VCF-style: chr6-56529600-G-T. GRCh37 (hg19) VCF-style: chr6-56394398-G-T.
Other names: c.11086C>A, p.Leu3696Ile (NM_001144769.5); c.10672C>A, p.Leu3558Ile (NM_001144770.2); c.17443C>A, p.Leu5815Ile (NM_001374722.1); c.17470C>A, p.Leu5824Ile (NM_001374734.1); c.10552C>A, p.Leu3518Ile (NM_001386100.1, NM_183380.4); c.9574C>A, p.Leu3192Ile (NM_015548.5); c.10377+374C>A (NM_001374730.1); c.16635+374C>A (NM_001374729.1); short protein forms L3192I, L3518I, L3558I, L3696I, L5815I, L5824I.
Identifiers: ClinVar variation 1002331 (VCV001002331.6), dbSNP rs750180346, ClinGen allele CA3867437.

ClinVar aggregate classification (germline): Uncertain significance. Review status: criteria provided, multiple submitters, no conflicts (2 of 4 stars). 2 submissions from 2 submitters: Uncertain significance (2). Last evaluated 2021-09-02.

Conditions:
Inborn genetic diseases. Identifiers: MedGen C0950123, MeSH D030342.
Epidermolysis bullosa simplex 3, localized or generalized intermediate, with BP230 deficiency (EBS3). Also called: Epidermolysis bullosa simplex, autosomal recessive 2; Epidermolysis bullosa simplex due to BP230 deficiency. Identifiers: Orphanet 412181, MedGen C3809470, MONDO:0014180, OMIM 615425.
Hereditary sensory and autonomic neuropathy type 6. Also called: HSAN VI; Neuropathy, hereditary sensory and autonomic, type VI. Identifiers: Orphanet 314381, MedGen C3539003, MONDO:0013839, OMIM 614653.

Allele frequency attached by ClinVar (database versions not stated): gnomAD 0.00001; TOPMed 0.00001; ExAC 0.00002.
gnomAD v4.1: 9 of 1,613,618 alleles (0.00056%); highest among the groups gnomAD compares: Non-Finnish European, 0.00076%; no homozygotes.

Submissions (2):

Labcorp Genetics (formerly Invitae), Labcorp
Classification: Uncertain significance for Epidermolysis bullosa simplex 3, localized or generalized intermediate, with BP230 deficiency; Hereditary sensory and autonomic neuropathy type 6. Last evaluated: 2021-09-02. Review status: criteria provided, single submitter. Criteria: Invitae Variant Classification Sherloc (09022015). Collection method: clinical testing. Allele origin: germline.
Comment: This sequence change replaces leucine with isoleucine at codon 3192 of the DST protein (p.Leu3192Ile). The DST gene has multiple clinically relevant transcripts. This variant occurs in alternate transcript NM_015548.4, and corresponds to NM_001723.5:c.*85917C>A in the primary transcript. This variant is present in population databases (rs750180346, ExAC 0.003%). This variant has not been reported in the literature in individuals affected with DST-related conditions. Experimental studies and prediction algorithms are not available or were not evaluated, and the functional significance of this variant is currently unknown. In summary, the available evidence is currently insufficient to determine the role of this variant in disease. Therefore, it has been classified as a Variant of Uncertain Significance.

Ambry Genetics
Classification: Uncertain significance for Inborn genetic diseases. Last evaluated: 2020-10-20. Review status: criteria provided, single submitter. Criteria: Ambry Variant Classification Scheme 2023. Collection method: clinical testing. Allele origin: germline.
Comment: The p.L3696I variant (also known as c.11086C>A), located in coding exon 60 of the DST gene, results from a C to A substitution at nucleotide position 11086. The leucine at codon 3696 is replaced by isoleucine, an amino acid with highly similar properties. This amino acid position is well conserved in available vertebrate species. In addition, this alteration is predicted to be tolerated by in silico analysis. Since supporting evidence is limited at this time, the clinical significance of this alteration remains unclear.